The following is an entry in ClinVar:

NM_007294.4(BRCA1):c.4876A>G (p.Asn1626Asp)

Gene: BRCA1 (BRCA1 DNA repair associated; minus strand). Cytogenetic location: 17q21.31.
Variant type: single nucleotide variant.
Coding change: c.4876A>G on transcript NM_007294.4 (MANE Select); coding-DNA position 4876, A replaced by G.
Protein change: p.Asn1626Asp; replaces asparagine 1626 with aspartic acid.
Molecular consequence: missense variant. On other transcripts: intron variant (1).
Genome position (GRCh38, 1-based): chr17:43,071,038, T>C on the plus strand (A>G on the coding strand, the complement: BRCA1 is on the minus strand). VCF-style: chr17-43071038-T-C. GRCh37 (hg19) VCF-style: chr17-41223055-T-C.
Other names: c.1420A>G, p.Asn474Asp (NM_001408470.1, NM_001408468.1, NM_001408469.1); c.4735A>G, p.Asn1579Asp (NM_001407942.1, NM_001407692.1, NM_001407694.1 and 13 more transcripts); c.1564A>G, p.Asn522Asp (NM_001408472.1, NM_001407979.1, NM_001407980.1 and 13 more transcripts); c.4732A>G, p.Asn1578Asp (NM_001407943.1, NM_001407944.1, NM_001407945.1 and 21 more transcripts); c.1561A>G, p.Asn521Asp (NM_001408473.1, NM_001408392.1, NM_001408396.1 and 8 more transcripts); c.1366A>G, p.Asn456Asp (NM_001408474.1); c.1363A>G, p.Asn455Asp (NM_001408475.1, NM_001408476.1); c.4543A>G, p.Asn1515Asp (NM_001407949.1, NM_001407946.1, NM_001407947.1 and 1 more transcripts); and 71 more; short protein forms N1499D, N1513D, N1515D, N1579D, N1585D, N1600D, N1626D, N395D.
Identifiers: ClinVar variation 2821947 (VCV002821947.3), dbSNP rs2153827320, ClinGen allele CA10591776.

ClinVar aggregate classification (germline): Uncertain significance (1 of 4 stars; one submission).

Conditions:
Hereditary breast ovarian cancer syndrome. Also called: Hereditary breast and/or ovarian cancer syndrome; Hereditary breast and ovarian cancer; Hereditary breast and ovarian cancer syndrome; Breast and ovarian cancer; Hereditary breast and ovarian cancer syndrome (HBOC); BRCA1- and BRCA2-Associated Hereditary Breast and Ovarian Cancer. Identifiers: Orphanet 145, MedGen C0677776, MeSH D061325, MONDO:0003582. Disease mechanism: loss of function.

Submission:

Labcorp Genetics (formerly Invitae), Labcorp
Classification: Uncertain significance for Hereditary breast ovarian cancer syndrome. Last evaluated: 2023-07-15. Review status: criteria provided, single submitter. Criteria: Invitae Variant Classification Sherloc (09022015). Collection method: clinical testing. Allele origin: germline.
Comment: Algorithms developed to predict the effect of sequence changes on RNA splicing suggest that this variant may create or strengthen a splice site. Advanced modeling of protein sequence and biophysical properties (such as structural, functional, and spatial information, amino acid conservation, physicochemical variation, residue mobility, and thermodynamic stability) performed at Invitae indicates that this missense variant is not expected to disrupt BRCA1 protein function. This variant has not been reported in the literature in individuals affected with BRCA1-related conditions. This variant is not present in population databases (gnomAD no frequency). This sequence change replaces asparagine, which is neutral and polar, with aspartic acid, which is acidic and polar, at codon 1626 of the BRCA1 protein (p.Asn1626Asp). In summary, the available evidence is currently insufficient to determine the role of this variant in disease. Therefore, it has been classified as a Variant of Uncertain Significance.